The following is an entry in ClinVar:

ClinVar aggregate classification (germline): Uncertain significance (1 of 4 stars; one submission).

Conditions:
Inborn genetic diseases. Identifiers: MedGen C0950123, MeSH D030342.

Submission:

Ambry Genetics
Classification: Uncertain significance for Inborn genetic diseases. Last evaluated: 2025-06-07. Review status: criteria provided, single submitter. Criteria: Ambry Variant Classification Scheme 2023. Collection method: clinical testing. Allele origin: germline.
Comment: The p.M41T variant (also known as c.122T>C), located in coding exon 2 of the MBD4 gene, results from a T to C substitution at nucleotide position 122. The methionine at codon 41 is replaced by threonine, an amino acid with similar properties. This amino acid position is conserved. In addition, this alteration is predicted to be tolerated by in silico analysis. Based on the available evidence, the clinical significance of this variant remains unclear.

NM_001276270.2(MBD4):c.122T>C (p.Met41Thr)

Gene: MBD4 (methyl-CpG binding domain 4, DNA glycosylase; minus strand). Cytogenetic location: 3q21.3.
Variant type: single nucleotide variant.
Coding change: c.122T>C on transcript NM_001276270.2 (MANE Select); coding-DNA position 122, T replaced by C.
Protein change: p.Met41Thr; replaces methionine 41 with threonine.
Molecular consequence: missense variant.
Genome position (GRCh38, 1-based): chr3:129,437,933, A>G on the plus strand (T>C on the coding strand, the complement: MBD4 is on the minus strand). VCF-style: chr3-129437933-A-G. GRCh37 (hg19) VCF-style: chr3-129156776-A-G.
Other names: c.122T>C, p.Met41Thr (NM_001276271.2, NM_001276272.2, NM_001276273.2 and 1 more transcripts); short protein forms M41T.
Identifiers: ClinVar variation 4052248 (VCV004052248.1).